The following continues an entry in ClinVar:

NM_000540.3(RYR1):c.14818G>A (p.Ala4940Thr)

Gene: RYR1. ClinVar aggregate classification (germline): Uncertain significance. Uncertain significance (1).

Submissions 10 to 17 of 17:

CeGaT Center for Human Genetics Tuebingen
Classification: Pathogenic. Last evaluated: 2021-11-01. Review status: criteria provided, single submitter. Criteria: CeGaT Center For Human Genetics Tuebingen Variant Classification Criteria Version 2. Collection method: clinical testing. Allele origin: germline. Affected: yes. Observed: 2 variant alleles. Not counted in ClinVar's aggregate classification.

Laboratory for Molecular Medicine, Mass General Brigham Personalized Medicine
Classification: Likely pathogenic for Malignant hyperthermia of anesthesia. Last evaluated: 2020-06-11. Review status: criteria provided, single submitter. Criteria: ACMG Guidelines, 2015. Collection method: clinical testing. Allele origin: germline. Not counted in ClinVar's aggregate classification.
Comment: The p.Ala4940Thr variant in RYR1 has been previously reported in at least 5 heterozygous individuals with central core disease or RYR1-related myopathy, and segregated in 5 affected relatives (Kraeva 2013 PMID 23183335, Todd 2018 PMID 30155738, Kushnir 2020 PMID 32236737, Davis 2003 PMID 12565913, Quinlivan 2003 PMID 14670767). It has also been reported in at least 1 individual with malignant hyperthermia (MH) susceptibility (Brandom 2013 PMID 23558838, Sambuughin PMID 15731587) and in 1 compound heterozygous individual with myopathy (Todd 2018 PMID 30155738). This variant was absent from large population studies, but has been reported in ClinVar (Variation ID 65927). In vitro evidence in transfected HEK293 cells indicates that this variant affects protien function (Chen 2017 PMID 28687594). In addition, a transgenic C. elegan model with the Ala4940Thr variant showed increased sensitivity to halothane and caffeine and decreased locomotion (Baines 2017 PMID 28325813). Lastly, in a study performed in muscle tissue from patients carrying the Ala4940Thr variant, RYR1 was co-immunoprecipitated with calstabin1, which binds to RYR1 and stabilizes the closed state of the calcium channel. Reduced RYR1-calstabin1 was observed relative to controls, which suggests that the variant results in a leaky RYR1 calcium channel (Kushnir 2020 PMID 32236737). Computational prediction tools and conservation analyses suggest an impact to the protein. In summary, although additional studies are required to fully establish its clinical significance, this variant meets criteria to be classified as likely pathogenic for autosomal dominant central core disease but has also been reported in MH susceptibility. ACMG/AMP criteria applied: PM2, PS4_Moderate, PP1_Moderate, PP3, PS3_Moderate.

Mayo Clinic Laboratories, Mayo Clinic
Classification: Pathogenic. Last evaluated: 2019-06-03. Review status: criteria provided, single submitter. Criteria: ACMG Guidelines, 2015. Collection method: clinical testing. Allele origin: germline. Observed: 1 variant allele. Not counted in ClinVar's aggregate classification.
Comment: PS3, PS4_M, PM1, PM2, PP1, PP3, PP4

Eurofins Ntd Llc (ga)
Classification: Likely pathogenic. Last evaluated: 2017-08-31. Review status: criteria provided, single submitter. Criteria: EGL Classification Definitions 2015. Collection method: clinical testing. Allele origin: germline. Observed: 5 variant alleles, 5 heterozygotes. Not counted in ClinVar's aggregate classification.

Genetic Services Laboratory, University of Chicago
Classification: Pathogenic. Last evaluated: 2013-03-27. Review status: criteria provided, single submitter. Criteria: ACMG Guidelines, 2007. Collection method: clinical testing. Allele origin: germline. Inheritance: Autosomal unknown. Affected: yes. Not counted in ClinVar's aggregate classification.

Rady Children's Institute for Genomic Medicine, Rady Children's Hospital San Diego
Classification: Pathogenic for RYR1-related disorder. Review status: criteria provided, single submitter. Criteria: ACMG Guidelines, 2015. Collection method: clinical testing. Allele origin: germline. Affected: yes. Not counted in ClinVar's aggregate classification.
Comment: This variant has been previously reported as a heterozygous change in patients with Central Core Disease (MIM: #117000; PMID: 32403337, 31321302, 30155738, 14670767), and as a compound heterozygous change in patients with congenital myopathy (PMID: 30155738, 31395954). Functional studies in cells have shown that the c.14818G>A (p.Ala4940Thr) variant significantly reduces the threshold for spontaneous Ca2+ release during store Ca2+ overload (SOICR), which causes uncontrolled muscle contraction (PMID: 28687594). It is absent from the gnomAD population database and thus is presumed to be rare. The c.14818G>A (p.Ala4940Thr) variant affects a highly conserved amino acid and is predicted by multiple in silico tools to have a deleterious effect on protein function. Based on the available evidence, the c.14818G>A (p.Ala4940Thr) variant is classified as Pathogenic.

GeneReviews
Classification: Pathogenic for Central Core Disease. Last evaluated: 2010-05-11. Review status: no assertion criteria provided. Collection method: curation. Allele origin: unknown. Not counted in ClinVar's aggregate classification.
ClinVar note: Converted during submission from pathologic to Pathogenic.

RYR1 database
No classification provided. Review status: no classification provided. Collection method: not provided. Allele origin: unknown. Not counted in ClinVar's aggregate classification.

Literature cited by the submitters: PubMed 1256913 (cited by Labcorp Genetics (formerly Invitae), Labcorp); PubMed 12467748 (cited by 4 submitters); PubMed 14670767 (cited by 4 submitters); PubMed 15731587 (cited by 5 submitters); PubMed 23183335 (cited by 3 submitters); PubMed 23558838 (cited by 5 submitters); PubMed 28325813 (cited by 3 submitters); PubMed 28687594 (cited by 4 submitters); PubMed 32236737 (cited by Color Diagnostics, LLC DBA Color Health and Laboratory for Molecular Medicine, Mass General Brigham Personalized Medicine); PubMed 30155738 (cited by Laboratory for Molecular Medicine, Mass General Brigham Personalized Medicine and Mayo Clinic Laboratories, Mayo Clinic); PubMed 31321302 (cited by Laboratory for Molecular Medicine, Mass General Brigham Personalized Medicine); PubMed 25958340 (cited by Laboratory for Molecular Medicine, Mass General Brigham Personalized Medicine); PubMed 20301565 (cited by Laboratory for Molecular Medicine, Mass General Brigham Personalized Medicine); PubMed 12565913 (cited by 3 submitters); PubMed 16084090 (cited by Laboratory for Molecular Medicine, Mass General Brigham Personalized Medicine); PubMed 31395954 (cited by Laboratory for Molecular Medicine, Mass General Brigham Personalized Medicine); PubMed 16917943 (cited by Mayo Clinic Laboratories, Mayo Clinic); PubMed 29576327 (cited by Mayo Clinic Laboratories, Mayo Clinic); PubMed 25747005 (cited by Mayo Clinic Laboratories, Mayo Clinic); PubMed 25749300 (cited by Mayo Clinic Laboratories, Mayo Clinic).